The following is an entry in ClinVar:

ClinVar aggregate classification (germline): Uncertain significance (1 of 4 stars; one submission).

Submission:

Labcorp Genetics (formerly Invitae), Labcorp
Classification: Uncertain significance. Last evaluated: 2025-12-16. Review status: criteria provided, single submitter. Criteria: Invitae Variant Classification Sherloc (09022015). Collection method: clinical testing. Allele origin: germline.
Comment: This sequence change replaces aspartic acid, which is acidic and polar, with histidine, which is basic and polar, at codon 575 of the CNGA3 protein (p.Asp575His). This variant is not present in population databases (gnomAD no frequency). This variant has not been reported in the literature in individuals affected with CNGA3-related conditions. Invitae Evidence Modeling of protein sequence and biophysical properties (such as structural, functional, and spatial information, amino acid conservation, physicochemical variation, residue mobility, and thermodynamic stability) indicates that this missense variant is expected to disrupt CNGA3 protein function with a positive predictive value of 95%. In summary, the available evidence is currently insufficient to determine the role of this variant in disease. Therefore, it has been classified as a Variant of Uncertain Significance.

NM_001298.3(CNGA3):c.1723G>C (p.Asp575His)

Gene: CNGA3 (cyclic nucleotide gated channel subunit alpha 3; plus strand). Cytogenetic location: 2q11.2.
Variant type: single nucleotide variant.
Coding change: c.1723G>C on transcript NM_001298.3 (MANE Select); coding-DNA position 1723, G replaced by C.
Protein change: p.Asp575His; replaces aspartic acid 575 with histidine.
Molecular consequence: missense variant.
Genome position (GRCh38, 1-based): chr2:98,396,893, G>C. VCF-style: chr2-98396893-G-C. GRCh37 (hg19) VCF-style: chr2-99013356-G-C.
Other names: c.1669G>C, p.Asp557His (NM_001079878.2); short protein forms D575H, D557H.
Identifiers: ClinVar variation 4766460 (VCV004766460.1).
Genomic context (GRCh38, chr2:98,396,893, plus strand): 5'-ATCAAGGGGAGCAAGTCGGGGAACCGCAGGACGGCCAACATCCGCAGCATTGGCTACTCA[G>C]ACCTGTTCTGCCTCTCAAAGGACGATCTCATGGAGGCCCTCACCGAGTACCCCGAAGCCA-3'
Protein context (NP_001289.1, residues 565-585): TANIRSIGYS[Asp575His]LFCLSKDDLM